The following is an entry in ClinVar:

NM_032119.4(ADGRV1):c.13992dup (p.Leu4665fs)

Gene: ADGRV1 (adhesion G protein-coupled receptor V1; plus strand). Cytogenetic location: 5q14.3.
Variant type: Duplication.
Coding change: c.13992dup on transcript NM_032119.4 (MANE Select); coding-DNA position 13992, one base duplicated (G; older notation c.13992dupG).
Protein change: p.Leu4665fs; shifts the reading frame from leucine 4665.
Molecular consequence: frameshift variant. On other transcripts: non-coding transcript variant (1).
Genome position (GRCh38, 1-based): chr5:90,789,800, G duplicated. VCF-style (leftmost placement, unchanged base first): chr5-90789799-T-TG. GRCh37 (hg19) VCF-style: chr5-90085616-T-TG.
Other names: short protein forms L4665fs.
Identifiers: ClinVar variation 1076016 (VCV001076016.7), dbSNP rs2150129570, ClinGen allele CA2499218006.

ClinVar aggregate classification (germline): Pathogenic (1 of 4 stars; one submission).

Submission:

Labcorp Genetics (formerly Invitae), Labcorp
Classification: Pathogenic. Last evaluated: 2020-09-24. Review status: criteria provided, single submitter. Criteria: Invitae Variant Classification Sherloc (09022015). Collection method: clinical testing. Allele origin: germline.
Comment: For these reasons, this variant has been classified as Pathogenic. Loss-of-function variants in ADGRV1 are known to be pathogenic (PMID: 19357117, 22135276, 22147658). This variant has not been reported in the literature in individuals with ADGRV1-related conditions. This variant is not present in population databases (ExAC no frequency). This sequence change creates a premature translational stop signal (p.Leu4665Alafs*24) in the ADGRV1 gene. It is expected to result in an absent or disrupted protein product.

Literature cited by the submitters: PubMed 19357117; PubMed 22135276; PubMed 22147658.